The following is an entry in ClinVar:

ClinVar aggregate classification (germline): Likely pathogenic (1 of 4 stars; one submission).

Submission:

GeneDx
Classification: Likely pathogenic. Last evaluated: 2020-09-16. Review status: criteria provided, single submitter. Criteria: GeneDx Variant Classification Process June 2021. Collection method: clinical testing. Allele origin: germline. Affected: yes.
Comment: Not observed in large population cohorts (Lek et al., 2016); In silico analysis supports a deleterious effect on protein structure/function; Has not been previously published as pathogenic or benign to our knowledge

NM_001100.4(ACTA1):c.323_329delinsTCGAGGT (p.Thr108_Ala110delinsIleGluVal)

Gene: ACTA1 (actin alpha 1, skeletal muscle; minus strand). Cytogenetic location: 1q42.13.
Variant type: Indel.
Coding change: c.323_329delinsTCGAGGT on transcript NM_001100.4 (MANE Select); coding-DNA positions 323 to 329, CCGAGGC replaced by TCGAGGT.
Protein change: p.Thr108_Ala110delinsIleGluVal.
Molecular consequence: missense variant.
Genome position (GRCh38, 1-based): chr1:229,432,681-229,432,687, GCCTCGG replaced by ACCTCGA on the plus strand (CCGAGGC replaced by TCGAGGT on the coding strand, the reverse complement: ACTA1 is on the minus strand). VCF-style: chr1-229432681-GCCTCGG-ACCTCGA. GRCh37 (hg19) VCF-style: chr1-229568428-GCCTCGG-ACCTCGA.
Other names: c.323_329delCCGAGGCinsTCGAGGT (NM_001100.3).
Identifiers: ClinVar variation 421346 (VCV000421346.2), dbSNP rs1064795075, ClinGen allele CA16617086.